The following is an entry in ClinVar:

ClinVar aggregate classification (germline): Uncertain significance. Review status: criteria provided, multiple submitters, no conflicts (2 of 4 stars). 5 submissions from 5 submitters: Uncertain significance (5). Last evaluated 2025-03-12.

Conditions:
Inborn genetic diseases. Identifiers: MedGen C0950123, MeSH D030342.
Frasier syndrome. Identifiers: Orphanet 347, MedGen C0950122, MeSH D052159, MONDO:0007635, OMIM 136680.
Wilms tumor 1 (WT1). Also called: Wilms tumor, somatic. Identifiers: Orphanet 654, MedGen CN033288, MONDO:0008679, OMIM 194070.
11p partial monosomy syndrome (WAGR). Also called: WAGR syndrome; WAGR Spectrum Disorder; CHROMOSOME 11p13 DELETION SYNDROME; WAGR Complex. Identifiers: Orphanet 893, MedGen C0206115, MONDO:0008681, OMIM 194072.
Drash syndrome (DDS). Also called: NEPHROPATHY, WILMS TUMOR, AND GENITAL ANOMALIES; WILMS TUMOR AND PSEUDO- OR TRUE HERMAPHRODITISM. Identifiers: Orphanet 220, MedGen C0950121, MONDO:0008682, OMIM 194080.

Allele frequency attached by ClinVar (database versions not stated): gnomAD exomes below 0.00001.

Submissions (5):

Ambry Genetics
Classification: Uncertain significance for Inborn genetic diseases. Last evaluated: 2025-03-12. Review status: criteria provided, single submitter. Criteria: Ambry Variant Classification Scheme 2023. Collection method: clinical testing. Allele origin: germline.
Comment: The p.A188T variant (also known as c.562G>A), located in coding exon 1 of the WT1 gene, results from a G to A substitution at nucleotide position 562. The alanine at codon 188 is replaced by threonine, an amino acid with similar properties. This amino acid position is conserved. In addition, this alteration is predicted to be tolerated by in silico analysis. Based on the available evidence, the clinical significance of this variant remains unclear.

Baylor Genetics
Classification: Uncertain significance for Drash syndrome. Last evaluated: 2023-10-09. Review status: criteria provided, single submitter. Criteria: ACMG Guidelines, 2015. Collection method: clinical testing. Allele origin: unknown.

All of Us Research Program, National Institutes of Health
Classification: Uncertain significance for Wilms tumor 1. Last evaluated: 2023-08-15. Review status: criteria provided, single submitter. Criteria: ACMG Guidelines, 2015. Collection method: clinical testing. Allele origin: germline. Inheritance: Autosomal dominant inheritance. Observed: 1 variant allele, 1 heterozygote.
Comment: This missense variant replaces alanine with threonine at codon 188 of the WT1 protein. This variant is also known as c.577G>A (p.Ala193Thr) based on alternative transcripts, ENST00000452863 and NM_024426.6. Computational prediction suggests that this variant may not impact protein structure and function (internally defined REVEL score threshold <= 0.5, PMID: 27666373). To our knowledge, functional studies have not been reported for this variant. This variant has not been reported in individuals affected with WT1-related disorders in the literature. This variant has not been identified in the general population by the Genome Aggregation Database (gnomAD). The available evidence is insufficient to determine the role of this variant in disease conclusively. Therefore, this variant is classified as a Variant of Uncertain Significance.

This study involves interpretation of variants in research participants for the purpose of population health screening. Participant phenotype was not available at the time of variant classification. Additional details can be found in publication PMID: 35346344, PMCID: PMC8962531

Labcorp Genetics (formerly Invitae), Labcorp
Classification: Uncertain significance for Wilms tumor 1; Drash syndrome; 11p partial monosomy syndrome; Frasier syndrome. Last evaluated: 2023-03-23. Review status: criteria provided, single submitter. Criteria: Invitae Variant Classification Sherloc (09022015). Collection method: clinical testing. Allele origin: germline.
Comment: This sequence change replaces alanine, which is neutral and non-polar, with threonine, which is neutral and polar, at codon 188 of the WT1 protein (p.Ala188Thr). This variant is not present in population databases (gnomAD no frequency). This variant has not been reported in the literature in individuals affected with WT1-related conditions. ClinVar contains an entry for this variant (Variation ID: 806643). Algorithms developed to predict the effect of missense changes on protein structure and function output the following: SIFT: "Not Available"; PolyPhen-2: "Benign"; Align-GVGD: "Not Available". The threonine amino acid residue is found in multiple mammalian species, which suggests that this missense change does not adversely affect protein function. In summary, the available evidence is currently insufficient to determine the role of this variant in disease. Therefore, it has been classified as a Variant of Uncertain Significance.

Institute for Clinical Genetics, University Hospital TU Dresden, University Hospital TU Dresden
Classification: Uncertain significance. Last evaluated: 2021-11-03. Review status: criteria provided, single submitter. Criteria: ACMG Guidelines, 2015. Collection method: clinical testing. Allele origin: germline.

NM_024426.6(WT1):c.577G>A (p.Ala193Thr)

Genes: WT1 (WT1 transcription factor; minus strand), LOC107982234 (WT1/WT1-AS bi-directional promoter region; plus strand). Cytogenetic location: 11p13.
Variant type: single nucleotide variant.
Coding change: c.577G>A on transcript NM_024426.6 (MANE Select); coding-DNA position 577, G replaced by A.
Protein change: p.Ala193Thr; replaces alanine 193 with threonine.
Molecular consequence: missense variant. On other transcripts: non-coding transcript variant (1).
Genome position (GRCh38, 1-based): chr11:32,434,784, C>T on the plus strand (G>A on the coding strand, the complement: WT1 is on the minus strand). VCF-style: chr11-32434784-C-T. GRCh37 (hg19) VCF-style: chr11-32456330-C-T.
Other names: c.577G>A, p.Ala193Thr (NM_000378.6, NM_024424.5); short protein forms A193T.
Identifiers: ClinVar variation 806643 (VCV000806643.26), dbSNP rs1590409175, ClinGen allele CA379964607.